The following is an entry in ClinVar:

NM_001013838.3(CARMIL2):c.473T>G (p.Phe158Cys)

Gene: CARMIL2 (capping protein regulator and myosin 1 linker 2; plus strand). Cytogenetic location: 16q22.1.
Variant type: single nucleotide variant.
Coding change: c.473T>G on transcript NM_001013838.3 (MANE Select); coding-DNA position 473, T replaced by G.
Protein change: p.Phe158Cys; replaces phenylalanine 158 with cysteine.
Molecular consequence: missense variant.
Genome position (GRCh38, 1-based): chr16:67,646,720, T>G. VCF-style: chr16-67646720-T-G. GRCh37 (hg19) VCF-style: chr16-67680623-T-G.
Other names: c.473T>G, p.Phe158Cys (NM_001317026.3); short protein forms F158C.
Identifiers: ClinVar variation 1705623 (VCV001705623.1), dbSNP rs2543535219, ClinGen allele CA396331399.
Genomic context (GRCh38, chr16:67,646,720, plus strand): 5'-CGCTGATGTTTTGTCTCTCTCCTTTTCCACATCGCACCCCTATCCCCTCCCCAGGTGGCT[T>G]CTTGGAGACATACGAGGCTCTGTGTGACTACAATGGCTTCCCTTTCCGAGAGGAGATTCA-3'
Protein context (NP_001013860.1, residues 148-168): STDPCSPCGG[Phe158Cys]LETYEALCDY

ClinVar aggregate classification (germline): Uncertain significance (1 of 4 stars; one submission).

Conditions:
Severe combined immunodeficiency due to CARMIL2 deficiency. Also called: IMMUNODEFICIENCY 58. Identifiers: Orphanet 542301, MedGen C4748304, MONDO:0029134, OMIM 618131.

Submission:

3billion
Classification: Uncertain significance for Severe combined immunodeficiency due to CARMIL2 deficiency. Last evaluated: 2022-09-01. Review status: criteria provided, single submitter. Criteria: ACMG Guidelines, 2015. Collection method: clinical testing. Allele origin: germline. Affected: yes. Observed: 1 homozygote.
Comment: The variant is not observed in the gnomAD v2.1.1 dataset. While this variant results in missense change, protein truncation variants are a common disease-causing mechanism. In silico tool predictions suggest damaging effect of the variant on gene or gene product (REVEL: 0.38; 3Cnet: 0.82). Therefore, this variant is classified as uncertain significance according to the recommendation of ACMG/AMP guideline.